The following is an entry in ClinVar:

ClinVar aggregate classification (germline): Uncertain significance (1 of 4 stars; one submission).

gnomAD v4.1: 1 of 1,614,222 alleles (0.000062%); highest among the groups gnomAD compares: Non-Finnish European, 0.000085%; no homozygotes.

Submission:

Ambry Genetics
Classification: Uncertain significance. Last evaluated: 2024-05-07. Review status: criteria provided, single submitter. Criteria: Ambry Variant Classification Scheme 2023. Collection method: clinical testing. Allele origin: germline.
Comment: The p.Q2134H variant (also known as c.6402A>C), located in coding exon 12 of the ALPK2 gene, results from an A to C substitution at nucleotide position 6402. The glutamine at codon 2134 is replaced by histidine, an amino acid with highly similar properties. This amino acid position is conserved. In addition, this alteration is predicted to be tolerated by in silico analysis. Based on the available evidence, the clinical significance of this variant remains unclear.

NM_052947.4(ALPK2):c.6402A>C (p.Gln2134His)

Gene: ALPK2 (alpha kinase 2; minus strand). Cytogenetic location: 18q21.31.
Variant type: single nucleotide variant.
Coding change: c.6402A>C on transcript NM_052947.4 (MANE Select); coding-DNA position 6402, A replaced by C.
Protein change: p.Gln2134His; replaces glutamine 2134 with histidine.
Molecular consequence: missense variant.
Genome position (GRCh38, 1-based): chr18:58,481,934, T>G on the plus strand (A>C on the coding strand, the complement: ALPK2 is on the minus strand). VCF-style: chr18-58481934-T-G. GRCh37 (hg19) VCF-style: chr18-56149166-T-G.
Other names: short protein forms Q2134H.
Identifiers: ClinVar variation 3289401 (VCV003289401.1).